The following is an entry in ClinVar:

ClinVar aggregate classification (germline): Uncertain significance. Review status: criteria provided, multiple submitters, no conflicts (2 of 4 stars). 2 submissions from 2 submitters: Uncertain significance (2). Last evaluated 2025-11-12.

Conditions:
Primary ciliary dyskinesia. Also called: Ciliary dyskinesia. Identifiers: Orphanet 244, MedGen C0008780, MONDO:0016575, HP:0012265.

Allele frequency attached by ClinVar (database versions not stated): ExAC 0.00001; TOPMed 0.00003; gnomAD 0.00005.
gnomAD v4.1: 13 of 1,613,738 alleles (0.00081%); highest among the groups gnomAD compares: African/African-American, 0.016%; no homozygotes.

Submissions (2):

Labcorp Genetics (formerly Invitae), Labcorp
Classification: Uncertain significance for Primary ciliary dyskinesia. Last evaluated: 2025-11-12. Review status: criteria provided, single submitter. Criteria: Invitae Variant Classification Sherloc (09022015). Collection method: clinical testing. Allele origin: germline.
Comment: This sequence change replaces aspartic acid, which is acidic and polar, with glutamic acid, which is acidic and polar, at codon 1960 of the DNAH8 protein (p.Asp1960Glu). This variant is present in population databases (rs774671297, gnomAD 0.02%). This variant has not been reported in the literature in individuals affected with DNAH8-related conditions. ClinVar contains an entry for this variant (Variation ID: 2848975). Invitae Evidence Modeling of protein sequence and biophysical properties (such as structural, functional, and spatial information, amino acid conservation, physicochemical variation, residue mobility, and thermodynamic stability) indicates that this missense variant is not expected to disrupt DNAH8 protein function with a negative predictive value of 80%. In summary, the available evidence is currently insufficient to determine the role of this variant in disease. Therefore, it has been classified as a Variant of Uncertain Significance.

Ambry Genetics
Classification: Uncertain significance. Last evaluated: 2024-12-29. Review status: criteria provided, single submitter. Criteria: Ambry Variant Classification Scheme 2023. Collection method: clinical testing. Allele origin: germline.

NM_001206927.2(DNAH8):c.5880T>G (p.Asp1960Glu)

Gene: DNAH8 (dynein axonemal heavy chain 8; plus strand). Cytogenetic location: 6p21.2.
Variant type: single nucleotide variant.
Coding change: c.5880T>G on transcript NM_001206927.2 (MANE Select); coding-DNA position 5880, T replaced by G.
Protein change: p.Asp1960Glu; replaces aspartic acid 1960 with glutamic acid.
Molecular consequence: missense variant.
Genome position (GRCh38, 1-based): chr6:38,857,664, T>G. VCF-style: chr6-38857664-T-G. GRCh37 (hg19) VCF-style: chr6-38825440-T-G.
Other names: c.5229T>G, p.Asp1743Glu (NM_001371.4); c.5880T>G (NM_001206927.1); short protein forms D1960E, D1743E.
Identifiers: ClinVar variation 2848975 (VCV002848975.4), dbSNP rs774671297, ClinGen allele CA3789498.